The following is an entry in ClinVar:

NM_153240.5(NPHP3):c.2429G>C (p.Cys810Ser)

Genes: NPHP3 (nephrocystin 3; minus strand), NPHP3-ACAD11 (NPHP3-ACAD11 readthrough (NMD candidate); minus strand). Cytogenetic location: 3q22.1.
Variant type: single nucleotide variant.
Coding change: c.2429G>C on transcript NM_153240.5 (MANE Select); coding-DNA position 2429, G replaced by C.
Protein change: p.Cys810Ser; replaces cysteine 810 with serine.
Molecular consequence: missense variant. On other transcripts: non-coding transcript variant (1).
Genome position (GRCh38, 1-based): chr3:132,692,700, C>G on the plus strand (G>C on the coding strand, the complement: NPHP3 is on the minus strand). VCF-style: chr3-132692700-C-G. GRCh37 (hg19) VCF-style: chr3-132411544-C-G.
Other names: short protein forms C810S.
Identifiers: ClinVar variation 3345101 (VCV003345101.1).

ClinVar aggregate classification (germline): Uncertain significance (0 of 4 stars; one submission).

Conditions:
NPHP3-related disorder. Also called: NPHP3-related disorders; NPHP3-related condition. Identifiers: MedGen CN379163.

gnomAD v4.1: 2 of 1,614,024 alleles (0.00012%); highest among the groups gnomAD compares: Non-Finnish European, 0.00017%; no homozygotes.

Submission:

PreventionGenetics, part of Exact Sciences
Classification: Uncertain significance for NPHP3-related condition. Last evaluated: 2024-07-01. Review status: no assertion criteria provided. Collection method: clinical testing. Allele origin: germline.
Comment: The NPHP3 c.2429G>C variant is predicted to result in the amino acid substitution p.Cys810Ser. To our knowledge, this variant has not been reported in the literature or in a large population database, indicating this variant is rare. At this time, the clinical significance of this variant is uncertain due to the absence of conclusive functional and genetic evidence.